The following is an entry in ClinVar:

NM_138927.4(SON):c.5559G>A (p.Lys1853=)

Gene: SON (SON DNA and RNA binding protein; plus strand). Cytogenetic location: 21q22.11.
Variant type: single nucleotide variant.
Coding change: c.5559G>A on transcript NM_138927.4 (MANE Select); coding-DNA position 5559, G replaced by A.
Protein change: p.Lys1853=; no amino-acid change (lysine 1853 retained).
Molecular consequence: synonymous variant. On other transcripts: non-coding transcript variant (1), intron variant (1).
Genome position (GRCh38, 1-based): chr21:33,554,790, G>A. VCF-style: chr21-33554790-G-A. GRCh37 (hg19) VCF-style: chr21-34927096-G-A.
Other names: c.5559G>A, p.Lys1853= (NM_001291411.2, NM_032195.3); c.245-2366G>A (NM_001291412.3).
Identifiers: ClinVar variation 3607933 (VCV003607933.9).

ClinVar aggregate classification (germline): Likely benign. Review status: criteria provided, multiple submitters, no conflicts (2 of 4 stars). 2 submissions from 2 submitters: Likely benign (2). Last evaluated 2025-04-01.

Submissions (2):

CeGaT Center for Human Genetics Tuebingen
Classification: Likely benign. Last evaluated: 2025-04-01. Review status: criteria provided, single submitter. Criteria: CeGaT Center For Human Genetics Tuebingen Variant Classification Criteria Version 2. Collection method: clinical testing. Allele origin: germline. Affected: yes. Observed: 1 variant allele.
Comment: SON: BP4, BP7

Labcorp Genetics (formerly Invitae), Labcorp
Classification: Likely benign. Last evaluated: 2024-08-12. Review status: criteria provided, single submitter. Criteria: Invitae Variant Classification Sherloc (09022015). Collection method: clinical testing. Allele origin: germline.